The following is an entry in ClinVar:

NM_000298.6(PKLR):c.1022G>A (p.Gly341Asp)

Gene: PKLR (pyruvate kinase L/R; minus strand). Cytogenetic location: 1q22.
Variant type: single nucleotide variant.
Coding change: c.1022G>A on transcript NM_000298.6 (MANE Select); coding-DNA position 1022, G replaced by A.
Protein change: p.Gly341Asp; replaces glycine 341 with aspartic acid.
Molecular consequence: missense variant.
Genome position (GRCh38, 1-based): chr1:155,294,329, C>T on the plus strand (G>A on the coding strand, the complement: PKLR is on the minus strand). VCF-style: chr1-155294329-C-T. GRCh37 (hg19) VCF-style: chr1-155264120-C-T.
Other names: c.929G>A, p.Gly310Asp (NM_181871.4); c.1022G>A (NM_000298.5); short protein forms G310D, G341D.
Identifiers: ClinVar variation 2432697 (VCV002432697.4), dbSNP rs1227427396, ClinGen allele CA342753477.

ClinVar aggregate classification (germline): Likely pathogenic. Review status: criteria provided, multiple submitters, no conflicts (2 of 4 stars). 2 submissions from 2 submitters: Likely pathogenic (2). Last evaluated 2026-04-21.

gnomAD v4.1: 1 of 1,613,954 alleles (0.000062%); highest among the groups gnomAD compares: Non-Finnish European, 0.000085%; no homozygotes.

Submissions (2):

GeneDx
Classification: Likely pathogenic. Last evaluated: 2026-04-21. Review status: criteria provided, single submitter. Criteria: GeneDx Variant Classification Process June 2021. Collection method: clinical testing. Allele origin: germline.
Comment: Reported along with a second variant in the PKLR gene in a patient with hereditary nonspherocytic hemolytic anemia in the published literature; however, segregation information was not provided (PMID: 9657767); Not observed at significant frequency in large population cohorts (gnomAD); In silico analysis supports that this missense variant has a deleterious effect on protein structure/function; This variant is associated with the following publications: (PMID: 9657767, 37473739)

Revvity Omics, Revvity
Classification: Likely pathogenic. Last evaluated: 2024-11-11. Review status: criteria provided, single submitter. Criteria: ACMG Guidelines, 2015. Collection method: clinical testing. Allele origin: germline.